The following is an entry in ClinVar:

ClinVar aggregate classification (germline): Uncertain significance (1 of 4 stars; one submission).

Conditions:
Aortic aneurysm, familial thoracic 7 (AAT7). Also called: AORTIC DISSECTION, FAMILIAL, WITH OR WITHOUT AORTIC ANEURYSM. Identifiers: MedGen C3151077, MONDO:0013418, OMIM 613780.

Submission:

Labcorp Genetics (formerly Invitae), Labcorp
Classification: Uncertain significance for Aortic aneurysm, familial thoracic 7. Last evaluated: 2023-10-24. Review status: criteria provided, single submitter. Criteria: Invitae Variant Classification Sherloc (09022015). Collection method: clinical testing. Allele origin: germline.
Comment: This sequence change replaces methionine, which is neutral and non-polar, with lysine, which is basic and polar, at codon 1050 of the MYLK protein (p.Met1050Lys). This variant is not present in population databases (gnomAD no frequency). This variant has not been reported in the literature in individuals affected with MYLK-related conditions. Advanced modeling of protein sequence and biophysical properties (such as structural, functional, and spatial information, amino acid conservation, physicochemical variation, residue mobility, and thermodynamic stability) performed at Invitae indicates that this missense variant is not expected to disrupt MYLK protein function with a negative predictive value of 80%. In summary, the available evidence is currently insufficient to determine the role of this variant in disease. Therefore, it has been classified as a Variant of Uncertain Significance.

NM_053025.4(MYLK):c.3149T>A (p.Met1050Lys)

Gene: MYLK (myosin light chain kinase; minus strand). Cytogenetic location: 3q21.1.
Variant type: single nucleotide variant.
Coding change: c.3149T>A on transcript NM_053025.4 (MANE Select); coding-DNA position 3149, T replaced by A.
Protein change: p.Met1050Lys; replaces methionine 1050 with lysine.
Molecular consequence: missense variant.
Genome position (GRCh38, 1-based): chr3:123,700,319, A>T on the plus strand (T>A on the coding strand, the complement: MYLK is on the minus strand). VCF-style: chr3-123700319-A-T. GRCh37 (hg19) VCF-style: chr3-123419166-A-T.
Other names: c.2621T>A, p.Met874Lys (NM_001321309.2); c.2942T>A, p.Met981Lys (NM_053026.4, NM_053028.4); c.3149T>A, p.Met1050Lys (NM_053027.4); short protein forms M874K, M981K, M1050K.
Identifiers: ClinVar variation 2771665 (VCV002771665.3), dbSNP rs557750849, ClinGen allele CA354229962.